The following is an entry in ClinVar:

ClinVar aggregate classification (germline): Uncertain significance (1 of 4 stars; one submission).

Conditions:
Hereditary cancer-predisposing syndrome. Also called: Tumor predisposition; Hereditary Cancer Syndrome; Hereditary neoplastic syndrome; Neoplastic Syndromes, Hereditary. Identifiers: Orphanet 140162, MedGen C0027672, MeSH D009386, MONDO:0015356.

Submission:

Ambry Genetics
Classification: Uncertain significance for Hereditary cancer-predisposing syndrome. Last evaluated: 2024-05-01. Review status: criteria provided, single submitter. Criteria: Ambry Variant Classification Scheme 2023. Collection method: clinical testing. Allele origin: germline.
Comment: The p.C59Y variant (also known as c.176G>A), located in coding exon 2 of the EPCAM gene, results from a G to A substitution at nucleotide position 176. The cysteine at codon 59 is replaced by tyrosine, an amino acid with highly dissimilar properties. This amino acid position is conserved. In addition, this alteration is predicted to be deleterious by in silico analysis. Based on the available evidence, the clinical significance of this variant remains unclear.

NM_002354.3(EPCAM):c.176G>A (p.Cys59Tyr)

Gene: EPCAM (epithelial cell adhesion molecule; plus strand). Cytogenetic location: 2p21.
Variant type: single nucleotide variant.
Coding change: c.176G>A on transcript NM_002354.3 (MANE Select); coding-DNA position 176, G replaced by A.
Protein change: p.Cys59Tyr; replaces cysteine 59 with tyrosine.
Molecular consequence: missense variant.
Genome position (GRCh38, 1-based): chr2:47,373,562, G>A. VCF-style: chr2-47373562-G-A. GRCh37 (hg19) VCF-style: chr2-47600701-G-A.
Other names: short protein forms C59Y.
Identifiers: ClinVar variation 3275815 (VCV003275815.1).